The following is an entry in ClinVar:

NM_000308.4(CTSA):c.1035C>G (p.Tyr345Ter)

Gene: CTSA (cathepsin A; plus strand). Cytogenetic location: 20q13.12.
Variant type: single nucleotide variant.
Coding change: c.1035C>G on transcript NM_000308.4 (MANE Select); coding-DNA position 1035, C replaced by G.
Protein change: p.Tyr345Ter; replaces tyrosine 345 with a stop codon.
Molecular consequence: nonsense. On other transcripts: non-coding transcript variant (1).
Genome position (GRCh38, 1-based): chr20:45,895,080, C>G. VCF-style: chr20-45895080-C-G. GRCh37 (hg19) VCF-style: chr20-44523719-C-G.
Other names: c.1035C>G, p.Tyr345Ter (NM_001127695.3); c.984C>G, p.Tyr328Ter (NM_001167594.3); short protein forms Y345*, Y328*.
Identifiers: ClinVar variation 1162856 (VCV001162856.6), dbSNP rs200636455, ClinGen allele CA409252782.

ClinVar aggregate classification (germline): Likely pathogenic (1 of 4 stars; one submission).

Submission:

Mayo Clinic Laboratories, Mayo Clinic
Classification: Likely pathogenic. Last evaluated: 2020-02-13. Review status: criteria provided, single submitter. Criteria: ACMG Guidelines, 2015. Collection method: clinical testing. Allele origin: germline. Observed: 1 variant allele.
Comment: PVS1, PM2